The following is an entry in ClinVar:

ClinVar aggregate classification (germline): Uncertain significance (1 of 4 stars; one submission).

Conditions:
Intellectual developmental disorder, autosomal dominant 6, with or without seizures. Also called: Intellectual disability, autosomal dominant 6; GRIN2B-related developmental delay, intellectual disability and autism spectrum disorder. Identifiers: Orphanet 589547, MedGen C3151411, MONDO:0013509, OMIM 613970.

Submission:

Dasa
Classification: Uncertain significance for Intellectual developmental disorder, autosomal dominant 6, with or without seizures. Last evaluated: 2025-10-29. Review status: criteria provided, single submitter. Criteria: DASA Assertion Criteria. Collection method: clinical testing. Allele origin: germline.
Comment: NM_000834.5(GRIN2B):c.3217A>G (p.Ile1073Val) is a missense variant that results in the substitution of isoleucine with valine. This variant is absent from population databases. Computational prediction algorithms are consistent with a benign effect. The currently available literature and clinical evidence are not sufficient to establish a definitive association between this variant and the reported condition. Therefore, this variant is classified as a variant of uncertain significance.

NM_000834.5(GRIN2B):c.3217A>G (p.Ile1073Val)

Gene: GRIN2B (glutamate ionotropic receptor NMDA type subunit 2B; minus strand). Cytogenetic location: 12p13.1.
Variant type: single nucleotide variant.
Coding change: c.3217A>G on transcript NM_000834.5 (MANE Select); coding-DNA position 3217, A replaced by G.
Protein change: p.Ile1073Val; replaces isoleucine 1073 with valine.
Molecular consequence: missense variant.
Genome position (GRCh38, 1-based): chr12:13,564,021, T>C on the plus strand (A>G on the coding strand, the complement: GRIN2B is on the minus strand). VCF-style: chr12-13564021-T-C. GRCh37 (hg19) VCF-style: chr12-13716955-T-C.
Other names: c.3217A>G, p.Ile1073Val (NM_001413992.1); short protein forms I1073V.
Identifiers: ClinVar variation 4882800 (VCV004882800.2).